The following is an entry in ClinVar:

ClinVar aggregate classification (germline): Uncertain significance (1 of 4 stars; one submission).

Allele frequency attached by ClinVar (database versions not stated): gnomAD exomes below 0.00001; TOPMed below 0.00001; gnomAD 0.00001.

Submission:

Labcorp Genetics (formerly Invitae), Labcorp
Classification: Uncertain significance. Last evaluated: 2022-08-07. Review status: criteria provided, single submitter. Criteria: Invitae Variant Classification Sherloc (09022015). Collection method: clinical testing. Allele origin: germline.
Comment: In summary, the available evidence is currently insufficient to determine the role of this variant in disease. Therefore, it has been classified as a Variant of Uncertain Significance. Algorithms developed to predict the effect of sequence changes on RNA splicing suggest that this variant may create or strengthen a splice site. Algorithms developed to predict the effect of missense changes on protein structure and function (SIFT, PolyPhen-2, Align-GVGD) all suggest that this variant is likely to be tolerated. ClinVar contains an entry for this variant (Variation ID: 1509165). This variant has not been reported in the literature in individuals affected with POLE2-related conditions. This variant is present in population databases (no rsID available, gnomAD 0.002%). This sequence change replaces isoleucine, which is neutral and non-polar, with threonine, which is neutral and polar, at codon 82 of the POLE2 protein (p.Ile82Thr).

NM_002692.4(POLE2):c.245T>C (p.Ile82Thr)

Gene: POLE2 (DNA polymerase epsilon 2, accessory subunit; minus strand). Cytogenetic location: 14q21.3.
Variant type: single nucleotide variant.
Coding change: c.245T>C on transcript NM_002692.4 (MANE Select); coding-DNA position 245, T replaced by C.
Protein change: p.Ile82Thr; replaces isoleucine 82 with threonine.
Molecular consequence: missense variant.
Genome position (GRCh38, 1-based): chr14:49,679,725, A>G on the plus strand (T>C on the coding strand, the complement: POLE2 is on the minus strand). VCF-style: chr14-49679725-A-G. GRCh37 (hg19) VCF-style: chr14-50146443-A-G.
Other names: c.245T>C, p.Ile82Thr (NM_001197330.2, NM_001197331.3, NM_001348384.2); c.10T>C, p.Cys4Arg (NM_001348385.2); short protein forms C4R, I82T.
Identifiers: ClinVar variation 1509165 (VCV001509165.8), dbSNP rs1437724514, ClinGen allele CA389614904.
Genomic context (GRCh38, chr14:49,679,725, plus strand): 5'-TTAAAAATAAGTGCTCAATAACACCTCCAAGGAGGAAAAAAGTTAACTGTACCCACATAC[A>G]TAGTTTCATCAACAGACTGACTGCATTCCTGGACTGCTGCTTCCACCACAGATCGTTCAA-3'
Protein context (NP_002683.2, residues 72-92): QECSQSVDET[Ile82Thr]EHVFNIIGAF